The following is an entry in ClinVar:

ClinVar aggregate classification (germline): Uncertain significance (1 of 4 stars; one submission).

Conditions:
Inborn genetic diseases. Identifiers: MedGen C0950123, MeSH D030342.

Submission:

Ambry Genetics
Classification: Uncertain significance for Inborn genetic diseases. Last evaluated: 2024-12-02. Review status: criteria provided, single submitter. Criteria: Ambry Variant Classification Scheme 2023. Collection method: clinical testing. Allele origin: germline.
Comment: The p.L864F variant (also known as c.2590C>T), located in coding exon 27 of the FANCA gene, results from a C to T substitution at nucleotide position 2590. The leucine at codon 864 is replaced by phenylalanine, an amino acid with highly similar properties. This amino acid position is conserved. In addition, this alteration is predicted to be tolerated by in silico analysis. Based on the available evidence, the clinical significance of this variant remains unclear.

NM_000135.4(FANCA):c.2590C>T (p.Leu864Phe)

Gene: FANCA (FA complementation group A; minus strand). Cytogenetic location: 16q24.3.
Variant type: single nucleotide variant.
Coding change: c.2590C>T on transcript NM_000135.4 (MANE Select); coding-DNA position 2590, C replaced by T.
Protein change: p.Leu864Phe; replaces leucine 864 with phenylalanine.
Molecular consequence: missense variant.
Genome position (GRCh38, 1-based): chr16:89,767,152, G>A on the plus strand (C>T on the coding strand, the complement: FANCA is on the minus strand). VCF-style: chr16-89767152-G-A. GRCh37 (hg19) VCF-style: chr16-89833560-G-A.
Other names: c.2590C>T, p.Leu864Phe (NM_001286167.3); short protein forms L864F.
Identifiers: ClinVar variation 3512707 (VCV003512707.1).
Genomic context (GRCh38, chr16:89,767,152, plus strand): 5'-AACCTGAAACGTATGGCAGAATGGAAAAATAGGAAAAGAGTGAACCTACCTTTTTAATAA[G>A]GCCTGGAGATAAGCAGCTGCACAAAGTATCTCGTGACTGGGAAGAAAACTTGCAGAGAGA-3'
Protein context (NP_000126.2, residues 854-874): DTLCSCLSPG[Leu864Phe]IKKFQFLMFR